The following is an entry in ClinVar:

NM_015404.4(WHRN):c.1810A>G (p.Arg604Gly)

Gene: WHRN (whirlin; minus strand). Cytogenetic location: 9q32.
Variant type: single nucleotide variant.
Coding change: c.1810A>G on transcript NM_015404.4 (MANE Select); coding-DNA position 1810, A replaced by G.
Protein change: p.Arg604Gly; replaces arginine 604 with glycine.
Molecular consequence: missense variant.
Genome position (GRCh38, 1-based): chr9:114,406,781, T>C on the plus strand (A>G on the coding strand, the complement: WHRN is on the minus strand). VCF-style: chr9-114406781-T-C. GRCh37 (hg19) VCF-style: chr9-117169061-T-C.
Other names: c.661A>G, p.Arg221Gly (NM_001083885.3); c.1810A>G, p.Arg604Gly (NM_001173425.2); c.757A>G, p.Arg253Gly (NM_001346890.1); short protein forms R221G, R253G, R604G.
Identifiers: ClinVar variation 1315461 (VCV001315461.9), dbSNP rs373975842, ClinGen allele CA5205812.

ClinVar aggregate classification (germline): Uncertain significance. Review status: criteria provided, multiple submitters, no conflicts (2 of 4 stars). 3 submissions from 3 submitters: Uncertain significance (3). Last evaluated 2026-04-01.

Allele frequency attached by ClinVar (database versions not stated): gnomAD 0.00001; TOPMed 0.00002; gnomAD exomes 0.00005 and 0.00007; ExAC 0.00006; ESP Exome Variant Server 0.00008.
gnomAD v4.1: 98 of 1,613,804 alleles (0.0061%); highest among the groups gnomAD compares: South Asian, 0.018%; no homozygotes.

Submissions (3):

CeGaT Center for Human Genetics Tuebingen
Classification: Uncertain significance. Last evaluated: 2026-04-01. Review status: criteria provided, single submitter. Criteria: CeGaT Center For Human Genetics Tuebingen Variant Classification Criteria Version 2. Collection method: clinical testing. Allele origin: germline. Affected: yes. Observed: 1 variant allele.
Comment: WHRN: PM2, BP4

Labcorp Genetics (formerly Invitae), Labcorp
Classification: Uncertain significance. Last evaluated: 2023-08-30. Review status: criteria provided, single submitter. Criteria: Invitae Variant Classification Sherloc (09022015). Collection method: clinical testing. Allele origin: germline.
Comment: This variant is present in population databases (rs373975842, gnomAD 0.01%). In summary, the available evidence is currently insufficient to determine the role of this variant in disease. Therefore, it has been classified as a Variant of Uncertain Significance. An algorithm developed to predict the effect of missense changes on protein structure and function (PolyPhen-2) suggests that this variant¬†is likely to be tolerated. ClinVar contains an entry for this variant (Variation ID: 1315461). This variant has not been reported in the literature in individuals affected with WHRN-related conditions. This sequence change replaces arginine, which is basic and polar, with glycine, which is neutral and non-polar, at codon 604 of the WHRN protein (p.Arg604Gly).

GeneDx
Classification: Uncertain significance. Last evaluated: 2020-02-20. Review status: criteria provided, single submitter. Criteria: GeneDx Variant Classification Process June 2021. Collection method: clinical testing. Allele origin: germline. Affected: yes.
Comment: In silico analysis supports that this missense variant does not alter protein structure/function; Has not been previously published as pathogenic or benign to our knowledge